The following is an entry in ClinVar:

NM_001084.5(PLOD3):c.727G>A (p.Val243Met)

Gene: PLOD3 (procollagen-lysine,2-oxoglutarate 5-dioxygenase 3; minus strand). Cytogenetic location: 7q22.1.
Variant type: single nucleotide variant.
Coding change: c.727G>A on transcript NM_001084.5 (MANE Select); coding-DNA position 727, G replaced by A.
Protein change: p.Val243Met; replaces valine 243 with methionine.
Molecular consequence: missense variant.
Genome position (GRCh38, 1-based): chr7:101,213,157, C>T on the plus strand (G>A on the coding strand, the complement: PLOD3 is on the minus strand). VCF-style: chr7-101213157-C-T. GRCh37 (hg19) VCF-style: chr7-100856438-C-T.
Other names: c.727G>A (NM_001084.4); short protein forms V243M.
Identifiers: ClinVar variation 2145888 (VCV002145888.3), dbSNP rs529683884, ClinGen allele CA4408048.
Genomic context (GRCh38, chr7:101,213,157, plus strand): 5'-CTGGTGGCACCTTAGTGGGACCGTTTCCATGGACCACAATGGGGAGCGTGTCGTAGGCCA[C>T]GTTCCGGATACGCACACGGTTCCGATCAAACTTTAAAACCACTTCATCTGGGGAAGAAAA-3'
Protein context (NP_001075.1, residues 233-253): FDRNRVRIRN[Val243Met]AYDTLPIVVH

ClinVar aggregate classification (germline): Conflicting classifications of pathogenicity. Review status: criteria provided, conflicting classifications (1 of 4 stars). 2 submissions from 2 submitters: Uncertain significance (1); Likely benign (1). Last evaluated 2023-06-02.

Conditions:
Inborn genetic diseases. Identifiers: MedGen C0950123, MeSH D030342.

Allele frequency attached by ClinVar (database versions not stated): gnomAD exomes 0.00003; gnomAD 0.00004; ExAC 0.00010; TOPMed 0.00011; 1000 Genomes Project 30x 0.00016; 1000 Genomes Project 0.00020.
gnomAD v4.1: 57 of 1,613,826 alleles (0.0035%); highest among the groups gnomAD compares: East Asian, 0.096%; 1 homozygote.

Submissions (2):

Ambry Genetics
Classification: Likely benign for Inborn genetic diseases. Last evaluated: 2023-06-02. Review status: criteria provided, single submitter. Criteria: Ambry Variant Classification Scheme 2023. Collection method: clinical testing. Allele origin: germline.

Labcorp Genetics (formerly Invitae), Labcorp
Classification: Uncertain significance. Last evaluated: 2022-09-21. Review status: criteria provided, single submitter. Criteria: Invitae Variant Classification Sherloc (09022015). Collection method: clinical testing. Allele origin: germline.
Comment: This sequence change replaces valine, which is neutral and non-polar, with methionine, which is neutral and non-polar, at codon 243 of the PLOD3 protein (p.Val243Met). This variant is present in population databases (rs529683884, gnomAD 0.1%), including at least one homozygous and/or hemizygous individual. This variant has not been reported in the literature in individuals affected with PLOD3-related conditions. Algorithms developed to predict the effect of missense changes on protein structure and function are either unavailable or do not agree on the potential impact of this missense change (SIFT: "Deleterious"; PolyPhen-2: "Possibly Damaging"; Align-GVGD: "Class C0"). In summary, the available evidence is currently insufficient to determine the role of this variant in disease. Therefore, it has been classified as a Variant of Uncertain Significance.